The following is an entry in ClinVar:

ClinVar aggregate classification (germline): Likely benign (1 of 4 stars; one submission).

Allele frequency attached by ClinVar (database versions not stated): ExAC 0.00001; gnomAD 0.00002; gnomAD exomes 0.00002.
gnomAD v4.1: 26 of 1,613,866 alleles (0.0016%); highest among the groups gnomAD compares: Non-Finnish European, 0.0021%; no homozygotes.

Submission:

CeGaT Center for Human Genetics Tuebingen
Classification: Likely benign. Last evaluated: 2024-02-01. Review status: criteria provided, single submitter. Criteria: CeGaT Center For Human Genetics Tuebingen Variant Classification Criteria Version 2. Collection method: clinical testing. Allele origin: germline. Affected: yes. Observed: 1 variant allele.
Comment: LINS1: BP4, BP7

NM_001040616.3(LINS1):c.837A>G (p.Lys279=)

Gene: LINS1 (lines homolog 1; minus strand). Cytogenetic location: 15q26.3.
Variant type: single nucleotide variant.
Coding change: c.837A>G on transcript NM_001040616.3 (MANE Select); coding-DNA position 837, A replaced by G.
Protein change: p.Lys279=; no amino-acid change (lysine 279 retained).
Molecular consequence: synonymous variant. On other transcripts: non-coding transcript variant (3).
Genome position (GRCh38, 1-based): chr15:100,574,036, T>C on the plus strand (A>G on the coding strand, the complement: LINS1 is on the minus strand). VCF-style: chr15-100574036-T-C. GRCh37 (hg19) VCF-style: chr15-101114241-T-C.
Other names: c.90A>G, p.Lys30= (NM_001352507.2); c.792A>G, p.Lys264= (NM_001352508.2).
Identifiers: ClinVar variation 3026395 (VCV003026395.22), dbSNP rs779317698, ClinGen allele CA7759589.